The following is an entry in ClinVar:

NM_025137.4(SPG11):c.7146C>T (p.Ser2382=)

Gene: SPG11 (SPG11 vesicle trafficking associated, spatacsin; minus strand). Cytogenetic location: 15q21.1.
Variant type: single nucleotide variant.
Coding change: c.7146C>T on transcript NM_025137.4 (MANE Select); coding-DNA position 7146, C replaced by T.
Protein change: p.Ser2382=; no amino-acid change (serine 2382 retained).
Molecular consequence: synonymous variant.
Genome position (GRCh38, 1-based): chr15:44,564,552, G>A on the plus strand (C>T on the coding strand, the complement: SPG11 is on the minus strand). VCF-style: chr15-44564552-G-A. GRCh37 (hg19) VCF-style: chr15-44856750-G-A.
Other names: c.6807C>T, p.Ser2269= (NM_001160227.2).
Identifiers: ClinVar variation 316074 (VCV000316074.42), dbSNP rs747227352, ClinGen allele CA7533897.

ClinVar aggregate classification (germline): Conflicting classifications of pathogenicity. Review status: criteria provided, conflicting classifications (1 of 4 stars). 4 submissions from 4 submitters: Uncertain significance (1); Likely benign (3). Last evaluated 2026-01-01.

Conditions:
Hereditary spastic paraplegia 11. Also called: Spastic Paraplegia 11; SPASTIC PARAPLEGIA, AUTOSOMAL RECESSIVE, COMPLICATED, WITH THIN CORPUS CALLOSUM; SPASTIC PARAPLEGIA, AUTOSOMAL RECESSIVE, WITH MENTAL IMPAIRMENT AND THIN CORPUS CALLOSUM; Spastic paraplegia, mental retardation and thin corpus callosum; Nakamura Osame syndrome; Autosomal recessive hereditary spastic paraplegia, mental impairment, and thin corpus callosum. Identifiers: Orphanet 2822, MedGen C1858479, MONDO:0011445, OMIM 604360.
Inborn genetic diseases. Identifiers: MedGen C0950123, MeSH D030342.

Allele frequency attached by ClinVar (database versions not stated): TOPMed 0.00003; gnomAD 0.00006 and 0.00015; gnomAD exomes 0.00021 and 0.00034; ExAC 0.00034.
gnomAD v4.1: 336 of 1,613,634 alleles (0.021%); highest among the groups gnomAD compares: South Asian, 0.26%; 1 homozygote.

Submissions (4):

CeGaT Center for Human Genetics Tuebingen
Classification: Likely benign. Last evaluated: 2026-01-01. Review status: criteria provided, single submitter. Criteria: CeGaT Center For Human Genetics Tuebingen Variant Classification Criteria Version 2. Collection method: clinical testing. Allele origin: germline. Affected: yes. Observed: 2 variant alleles.
Comment: SPG11: BP4, BP7

Labcorp Genetics (formerly Invitae), Labcorp
Classification: Likely benign for Hereditary spastic paraplegia 11. Last evaluated: 2025-10-02. Review status: criteria provided, single submitter. Criteria: Invitae Variant Classification Sherloc (09022015). Collection method: clinical testing. Allele origin: germline.

Ambry Genetics
Classification: Likely benign for Inborn genetic diseases. Last evaluated: 2019-07-11. Review status: criteria provided, single submitter. Criteria: Ambry Variant Classification Scheme 2023. Collection method: clinical testing. Allele origin: germline.

Illumina Laboratory Services, Illumina
Classification: Uncertain significance for Hereditary spastic paraplegia 11. Last evaluated: 2018-01-12. Review status: criteria provided, single submitter. Criteria: ICSL Variant Classification Criteria 13 December 2019. Collection method: clinical testing. Allele origin: germline.